The following is an entry in ClinVar:

NM_004656.4(BAP1):c.1730-3C>T

Gene: BAP1 (BRCA1 associated deubiquitinase 1; minus strand). Cytogenetic location: 3p21.1.
Variant type: single nucleotide variant.
Coding change: c.1730-3C>T on transcript NM_004656.4 (MANE Select); 3 bases into the intron before coding-DNA position 1730, C replaced by T.
Molecular consequence: intron variant.
Genome position (GRCh38, 1-based): chr3:52,403,301, G>A on the plus strand (C>T on the coding strand, the complement: BAP1 is on the minus strand). VCF-style: chr3-52403301-G-A. GRCh37 (hg19) VCF-style: chr3-52437317-G-A.
Other names: c.1676-3C>T (NM_001410772.1).
Identifiers: ClinVar variation 3260393 (VCV003260393.1).

ClinVar aggregate classification (germline): Uncertain significance (1 of 4 stars; one submission).

Conditions:
Hereditary cancer-predisposing syndrome. Also called: Hereditary Cancer Syndrome; Tumor predisposition; Hereditary neoplastic syndrome; Neoplastic Syndromes, Hereditary. Identifiers: Orphanet 140162, MedGen C0027672, MeSH D009386, MONDO:0015356.

Submission:

Ambry Genetics
Classification: Uncertain significance for Hereditary cancer-predisposing syndrome. Last evaluated: 2024-06-06. Review status: criteria provided, single submitter. Criteria: Ambry Variant Classification Scheme 2023. Collection method: clinical testing. Allele origin: germline.
Comment: The c.1730-3C>T intronic variant results from a C to T substitution 3 nucleotides upstream from coding exon 14 in the BAP1 gene. This nucleotide position is not well conserved in available vertebrate species. In silico splice site analysis predicts that this alteration may result in the creation or strengthening of a novel splice acceptor site. Based on the available evidence, the clinical significance of this variant remains unclear.